The following is an entry in ClinVar:

ClinVar aggregate classification (germline): Uncertain significance (1 of 4 stars; one submission).

Conditions:
Bethlem myopathy 1A. Also called: MYOPATHY, BENIGN CONGENITAL, WITH CONTRACTURES; Bethlem myopathy 1; Bethlem Muscular Dystrophy. Identifiers: Orphanet 610, MedGen CN029274, MONDO:0024530, OMIM 158810.

Submission:

Labcorp Genetics (formerly Invitae), Labcorp
Classification: Uncertain significance for Bethlem myopathy 1A. Last evaluated: 2022-06-20. Review status: criteria provided, single submitter. Criteria: Invitae Variant Classification Sherloc (09022015). Collection method: clinical testing. Allele origin: germline.
Comment: Information on the frequency of this variant in the gnomAD database is not available, as this variant may be reported differently in the database. In summary, the available evidence is currently insufficient to determine the role of this variant in disease. Therefore, it has been classified as a Variant of Uncertain Significance. Algorithms developed to predict the effect of sequence changes on RNA splicing suggest that this variant may create or strengthen a splice site. This variant has not been reported in the literature in individuals affected with COL6A1-related conditions. This sequence change falls in intron 4 of the COL6A1 gene. It does not directly change the encoded amino acid sequence of the COL6A1 protein.

NM_001848.3(COL6A1):c.588+12_588+13delinsTA

Gene: COL6A1 (collagen type VI alpha 1 chain; plus strand). Cytogenetic location: 21q22.3.
Variant type: Indel.
Coding change: c.588+12_588+13delinsTA on transcript NM_001848.3 (MANE Select); bases 12 to 13 of the intron after coding-DNA position 588, CC replaced by TA.
Molecular consequence: intron variant.
Genome position (GRCh38, 1-based): chr21:45,986,697-45,986,698, CC replaced by TA. VCF-style: chr21-45986697-CC-TA. GRCh37 (hg19) VCF-style: chr21-47406611-CC-TA.
Identifiers: ClinVar variation 1523981 (VCV001523981.8), dbSNP rs2123466169, ClinGen allele CA2573157626.
Genomic context (GRCh38, chr21:45,986,697, plus strand): 5'-GCACCTGGGCGTCAAAGTCTTCTCGGTGGCCATCACACCCGACCACCTGGTAGGCACCGG[CC>TA]CCCCCCGGCAGATGCCCCCAACCACAGGGAGTGGCGGCTGCAAGGCCCCCGGCAGCTGGG-3'